The following is an entry in ClinVar:

NM_000746.6(CHRNA7):c.635G>A (p.Cys212Tyr)

Gene: CHRNA7 (cholinergic receptor nicotinic alpha 7 subunit). Cytogenetic location: 15q13.3.
Variant type: single nucleotide variant.
Coding change: c.635G>A on transcript NM_000746.6 (MANE Select); coding-DNA position 635, G replaced by A.
Protein change: p.Cys212Tyr; replaces cysteine 212 with tyrosine.
Molecular consequence: missense variant. On other transcripts: non-coding transcript variant (1).
Genome position (GRCh38, 1-based): chr15:32,158,448, G>A. VCF-style: chr15-32158448-G-A. GRCh37 (hg19) VCF-style: chr15-32450649-G-A.
Other names: c.722G>A, p.Cys241Tyr (NM_001190455.3); short protein forms C212Y, C241Y.
Identifiers: ClinVar variation 2645115 (VCV002645115.24), dbSNP rs2505508051, ClinGen allele CA391894846.
Genomic context (GRCh38, chr15:32,158,448, plus strand): 5'-CCTTCTCTCCTCCTCCCTATGGAGGAATCCCCGGCAAGAGGAGTGAAAGGTTCTATGAGT[G>A]CTGCAAAGAGCCCTACCCCGATGTCACCTTCACAGTGACCATGCGCCGCAGGACGCTCTA-3'
Protein context (NP_000737.1, residues 202-222): PGKRSERFYE[Cys212Tyr]CKEPYPDVTF

ClinVar aggregate classification (germline): Uncertain significance (1 of 4 stars; one submission).

Submission:

CeGaT Center for Human Genetics Tuebingen
Classification: Uncertain significance. Last evaluated: 2022-06-01. Review status: criteria provided, single submitter. Criteria: CeGaT Center For Human Genetics Tuebingen Variant Classification Criteria Version 2. Collection method: clinical testing. Allele origin: germline. Affected: yes. Observed: 1 variant allele.
Comment: CHRNA7: PM2